The following is an entry in ClinVar:

NM_001113378.2(FANCI):c.574G>C (p.Glu192Gln)

Gene: FANCI (FA complementation group I; plus strand). Cytogenetic location: 15q26.1.
Variant type: single nucleotide variant.
Coding change: c.574G>C on transcript NM_001113378.2 (MANE Select); coding-DNA position 574, G replaced by C.
Protein change: p.Glu192Gln; replaces glutamic acid 192 with glutamine.
Molecular consequence: missense variant.
Genome position (GRCh38, 1-based): chr15:89,263,931, G>C. VCF-style: chr15-89263931-G-C. GRCh37 (hg19) VCF-style: chr15-89807162-G-C.
Other names: c.295G>C, p.Glu99Gln (NM_001376910.1); c.574G>C, p.Glu192Gln (NM_001376911.1, NM_018193.3); short protein forms E99Q, E192Q.
Identifiers: ClinVar variation 2176052 (VCV002176052.2), dbSNP rs1367074512, ClinGen allele CA393738932.

ClinVar aggregate classification (germline): Uncertain significance (1 of 4 stars; one submission).

Conditions:
Fanconi anemia (FA). Also called: Fanconi's anemia. Identifiers: Orphanet 84, MedGen C0015625, MeSH D005199, MONDO:0019391.

Allele frequency attached by ClinVar (database versions not stated): gnomAD exomes below 0.00001.
gnomAD v4.1: 1 of 1,614,084 alleles (0.000062%); highest among the groups gnomAD compares: Non-Finnish European, 0.000085%; no homozygotes.

Submission:

Labcorp Genetics (formerly Invitae), Labcorp
Classification: Uncertain significance for Fanconi anemia. Last evaluated: 2025-04-21. Review status: criteria provided, single submitter. Criteria: Invitae Variant Classification Sherloc (09022015). Collection method: clinical testing. Allele origin: germline.
Comment: This sequence change replaces glutamic acid, which is acidic and polar, with glutamine, which is neutral and polar, at codon 192 of the FANCI protein (p.Glu192Gln). This variant is present in population databases (no rsID available, gnomAD 0.0009%). This variant has not been reported in the literature in individuals affected with FANCI-related conditions. ClinVar contains an entry for this variant (Variation ID: 2176052). Invitae Evidence Modeling of protein sequence and biophysical properties (such as structural, functional, and spatial information, amino acid conservation, physicochemical variation, residue mobility, and thermodynamic stability) indicates that this missense variant is not expected to disrupt FANCI protein function with a negative predictive value of 80%. In summary, the available evidence is currently insufficient to determine the role of this variant in disease. Therefore, it has been classified as a Variant of Uncertain Significance.